The following is an entry in ClinVar:

NM_000530.8(MPZ):c.111G>C (p.Glu37Asp)

Gene: MPZ (myelin protein zero; minus strand). Cytogenetic location: 1q23.3.
Variant type: single nucleotide variant.
Coding change: c.111G>C on transcript NM_000530.8 (MANE Select); coding-DNA position 111, G replaced by C.
Protein change: p.Glu37Asp; replaces glutamic acid 37 with aspartic acid.
Molecular consequence: missense variant.
Genome position (GRCh38, 1-based): chr1:161,307,381, C>G on the plus strand (G>C on the coding strand, the complement: MPZ is on the minus strand). VCF-style: chr1-161307381-C-G. GRCh37 (hg19) VCF-style: chr1-161277171-C-G.
Other names: c.111G>C, p.Glu37Asp (NM_001315491.2); short protein forms E37D.
Identifiers: ClinVar variation 4741295 (VCV004741295.1).

ClinVar aggregate classification (germline): Uncertain significance (1 of 4 stars; one submission).

Conditions:
Charcot-Marie-Tooth disease, type I (CMT1). Also called: Charcot-Marie-Tooth, Type 1; Charcot-Marie-Tooth disease type 1. Identifiers: Orphanet 65753, MedGen C0751036, MONDO:0019011.

Submission:

Labcorp Genetics (formerly Invitae), Labcorp
Classification: Uncertain significance for Charcot-Marie-Tooth disease, type I. Last evaluated: 2025-05-22. Review status: criteria provided, single submitter. Criteria: Invitae Variant Classification Sherloc (09022015). Collection method: clinical testing. Allele origin: germline.
Comment: This sequence change replaces glutamic acid, which is acidic and polar, with aspartic acid, which is acidic and polar, at codon 37 of the MPZ protein (p.Glu37Asp). This variant is not present in population databases (gnomAD no frequency). This missense change has been observed in individual(s) with MPZ-related conditions (internal data). Invitae Evidence Modeling of protein sequence and biophysical properties (such as structural, functional, and spatial information, amino acid conservation, physicochemical variation, residue mobility, and thermodynamic stability) indicates that this missense variant is not expected to disrupt MPZ protein function with a negative predictive value of 80%. This variant disrupts the p.Glu37 amino acid residue in MPZ. Other variant(s) that disrupt this residue have been determined to be pathogenic (PMID: 33179255, 37404437). This suggests that this residue is clinically significant, and that variants that disrupt this residue are likely to be disease-causing. In summary, the available evidence is currently insufficient to determine the role of this variant in disease. Therefore, it has been classified as a Variant of Uncertain Significance.

Literature cited by the submitters: PubMed 33179255; PubMed 37404437.